The following is an entry in ClinVar:

ClinVar aggregate classification (germline): Uncertain significance (1 of 4 stars; one submission).

Conditions:
Cardiovascular phenotype. Identifiers: MedGen CN230736.

Submission:

Ambry Genetics
Classification: Uncertain significance for Cardiovascular phenotype. Last evaluated: 2022-07-06. Review status: criteria provided, single submitter. Criteria: Ambry Variant Classification Scheme 2023. Collection method: clinical testing. Allele origin: germline.
Comment: The p.R352C variant (also known as c.1054C>T), located in coding exon 2 of the JPH2 gene, results from a C to T substitution at nucleotide position 1054. The arginine at codon 352 is replaced by cysteine, an amino acid with highly dissimilar properties. This variant was detected in a cardiomyopathy/arrhythmia genetic testing cohort; however, clinical details were limited, and additional cardiac variants were detected in some cases (van Lint FHM et al. Neth Heart J, 2019 Jun;27:304-309). This amino acid position is not well conserved in available vertebrate species. In addition, this alteration is predicted to be tolerated by in silico analysis. Since supporting evidence is limited at this time, the clinical significance of this alteration remains unclear.

Literature cited by the submitters: PubMed 30847666.

NM_020433.5(JPH2):c.1054C>T (p.Arg352Cys)

Gene: JPH2 (junctophilin 2; minus strand). Cytogenetic location: 20q13.12.
Variant type: single nucleotide variant.
Coding change: c.1054C>T on transcript NM_020433.5 (MANE Select); coding-DNA position 1054, C replaced by T.
Protein change: p.Arg352Cys; replaces arginine 352 with cysteine.
Molecular consequence: missense variant.
Genome position (GRCh38, 1-based): chr20:44,159,733, G>A on the plus strand (C>T on the coding strand, the complement: JPH2 is on the minus strand). VCF-style: chr20-44159733-G-A. GRCh37 (hg19) VCF-style: chr20-42788373-G-A.
Other names: short protein forms R352C.
Identifiers: ClinVar variation 1778111 (VCV001778111.2), dbSNP rs2515744232, ClinGen allele CA409093096.
Genomic context (GRCh38, chr20:44,159,733, plus strand): 5'-CCTCCACACTGTGCTCCACTTTCTGGCGGACCTTGTTGCTCTTGAGCTGCAGCATGCGGC[G>A]CTTGGTGTCCTTGACCAGCACGTTGTGGCGGTACTTGCCCTCCTCGCGGTGGCCGTCGGG-3'
Protein context (NP_065166.2, residues 342-362): RHNVLVKDTK[Arg352Cys]RMLQLKSNKV